The following is an entry in ClinVar:

ClinVar aggregate classification (germline): Pathogenic (1 of 4 stars; one submission).

Submission:

Athena Diagnostics
Classification: Pathogenic. Last evaluated: 2023-04-25. Review status: criteria provided, single submitter. Criteria: Athena Diagnostics Criteria. Collection method: clinical testing. Allele origin: unknown.
Comment: This variant is expected to result in the loss of a functional protein. This variant has been identified in at least one individual with clinical features associated with this gene. This variant has not been reported in large, multi-ethnic general populations.

NM_014946.4(SPAST):c.517del (p.Arg173fs)

Gene: SPAST (spastin; plus strand). Cytogenetic location: 2p22.3.
Variant type: Deletion.
Coding change: c.517del on transcript NM_014946.4 (MANE Select); coding-DNA position 517, one base deleted (A; older notation c.517delA).
Protein change: p.Arg173fs; shifts the reading frame from arginine 173.
Molecular consequence: frameshift variant.
Genome position (GRCh38, 1-based): chr2:32,089,536, A deleted; the last of 3 consecutive A bases (chr2:32,089,534-32,089,536); deleting any one gives the same sequence. VCF-style (leftmost placement, unchanged base first): chr2-32089533-GA-G. GRCh37 (hg19) VCF-style: chr2-32314602-GA-G.
Other names: c.514del, p.Arg172fs (NM_001363823.2, NM_001363875.2); c.517del, p.Arg173fs (NM_001377959.1, NM_199436.2); c.517delA, p.Arg173Glufs (NM_014946.3); short protein forms R172fs, R173fs.
Identifiers: ClinVar variation 2684015 (VCV002684015.1), dbSNP rs2465769484, ClinGen allele CA2697547951.